The following is an entry in ClinVar:

NM_001148.6(ANK2):c.6348_6351delinsCCAAAAAAAA (p.Asp2117delinsGlnLysLys)

Genes: ANK2 (ankyrin 2; plus strand), LOC126807136 (MED14-independent group 3 enhancer GRCh37_chr4:114274931-114276130; plus strand). Cytogenetic location: 4q26.
Variant type: Indel.
Coding change: c.6348_6351delinsCCAAAAAAAA on transcript NM_001148.6 (MANE Select); coding-DNA positions 6348 to 6351, TGAT replaced by CCAAAAAAAA.
Protein change: p.Asp2117delinsGlnLysLys.
Molecular consequence: inframe indel. On other transcripts: intron variant (68).
Genome position (GRCh38, 1-based): chr4:113,354,966-113,354,969, TGAT replaced by CCAAAAAAAA. VCF-style: chr4-113354966-TGAT-CCAAAAAAAA. GRCh37 (hg19) VCF-style: chr4-114276122-TGAT-CCAAAAAAAA.
Other names: c.6348_6351delTGATinsCCAAAAAAAA, p.Asp2117delinsGlnLysLys (NM_001148.4); c.6114_6117delinsCCAAAAAAAA, p.Asp2039delinsGlnLysLys (NM_001386142.1); c.2748_2751delinsCCAAAAAAAA, p.Asp917delinsGlnLysLys (NM_001386166.1); c.6489_6492delinsCCAAAAAAAA, p.Asp2164delinsGlnLysLys (NM_001386174.1); c.6465_6468delinsCCAAAAAAAA, p.Asp2156delinsGlnLysLys (NM_001386175.1); c.4411+4717_4411+4720delinsCCAAAAAAAA (NM_001386186.2, NM_001386148.2); c.4213+4717_4213+4720delinsCCAAAAAAAA (NM_001354269.3); c.4291+4717_4291+4720delinsCCAAAAAAAA (NM_001386187.2); and 36 more.
Identifiers: ClinVar variation 4071705 (VCV004071705.1).
Genomic context (GRCh38, chr4:113,354,966, plus strand): 5'-TCAGTCAGTGCCTGAAGAAGAAAGCCACAGAGAGAGCGAAGTGCCCAAAGAAAAGATGGC[TGAT>CCAAAAAAAA]GAGCAGGGAGACATGGATCTACAGATCAGCCCAGATAGGAAAACCTCCACTGACTTCTCT-3'

ClinVar aggregate classification (germline): Uncertain significance (1 of 4 stars; one submission).

Submission:

GeneDx
Classification: Uncertain significance. Last evaluated: 2025-01-17. Review status: criteria provided, single submitter. Criteria: GeneDx Variant Classification Process June 2021. Collection method: clinical testing. Allele origin: germline. Affected: yes.
Comment: Not observed at significant frequency in large population cohorts (gnomAD); In-frame deletion of 1 amino acids and insertion of 3 different amino acids in a non-repeat region; In silico analysis indicates that this variant does not alter protein structure/function; Has not been previously published as pathogenic or benign to our knowledge